The following is an entry in ClinVar:

NM_001005242.3(PKP2):c.1170+4_1170+7del

Gene: PKP2 (plakophilin 2; minus strand). Cytogenetic location: 12p11.21.
Variant type: Deletion.
Coding change: c.1170+4_1170+7del on transcript NM_001005242.3 (MANE Select); bases 4 to 7 of the intron after coding-DNA position 1170, 4 bases deleted (AGTG; older notation c.1170+4_1170+7delAGTG).
Molecular consequence: splice donor variant.
Genome position (GRCh38, 1-based): chr12:32,868,920-32,868,923, CACT deleted on the plus strand (AGTG on the coding strand, the reverse complement: PKP2 is on the minus strand); deleting any 4 consecutive bases within chr12:32,868,920-32,868,926 gives the same sequence; the c. name uses the placement nearest the transcript's 3' end. VCF-style (leftmost placement, unchanged base first): chr12-32868919-ACACT-A. GRCh37 (hg19) VCF-style: chr12-33021853-ACACT-A.
Other names: c.1170+4_1170+7delAGTG (NM_004572.3); c.1170+4_1170+7del (NM_004572.4).
Identifiers: ClinVar variation 45012 (VCV000045012.20), dbSNP rs397516988, ClinGen allele CA010849.
Genomic context (GRCh38, chr12:32,868,919, plus strand): 5'-TGTGCAAAGTCACCATAATAGAAGTGAAAGTGTGTTGCGCTTTGCAATGGACTGAAGATG[ACACT>A]CACCCTCTTCCGAGCTTCAGATTTCTGGAAGCACTCGTGCTGTATGAAAGTAGCTGCAGC-3'

ClinVar aggregate classification (germline): Conflicting classifications of pathogenicity. Review status: criteria provided, conflicting classifications (1 of 4 stars). 5 submissions from 5 submitters: Likely pathogenic (1); Uncertain significance (3). 1 of the submissions does not count toward it. Last evaluated 2025-11-13.

Conditions:
Cardiovascular phenotype. Identifiers: MedGen CN230736.
Arrhythmogenic right ventricular cardiomyopathy (ARVD). Also called: Arrhythmogenic right ventricular dysplasia; Arrhythmogenic cardiomyopathy; Arrhythmogenic Right Ventricular Cardiomyopathy (ARVC); Cardiomyopathy, ARVC. Identifiers: Orphanet 247, MedGen C0349788, MeSH D019571, MONDO:0016587. Disease mechanism: loss of function. Inheritance: Various modes of inheritance.
Arrhythmogenic right ventricular dysplasia 9 (ARVD9). Also called: ARRHYTHMOGENIC RIGHT VENTRICULAR DYSPLASIA, FAMILIAL, 9; Arrhythmogenic Right Ventricular Dysplasia/Cardiomyopathy 9. Identifiers: MedGen C1836906, MONDO:0012180, OMIM 609040.

Submissions (5):

Labcorp Genetics (formerly Invitae), Labcorp
Classification: Uncertain significance for Arrhythmogenic right ventricular dysplasia 9. Last evaluated: 2025-11-13. Review status: criteria provided, single submitter. Criteria: Invitae Variant Classification Sherloc (09022015). Collection method: clinical testing. Allele origin: germline.
Comment: This sequence change falls in intron 4 of the PKP2 gene. It does not directly change the encoded amino acid sequence of the PKP2 protein. It affects a nucleotide within the consensus splice site. This variant is present in population databases (rs397516988, gnomAD 0.007%). This variant has been observed in individual(s) with arrhythmogenic right ventricular cardiomyopathy (PMID: 31386562). ClinVar contains an entry for this variant (Variation ID: 45012). Variants that disrupt the consensus splice site are a relatively common cause of aberrant splicing (PMID: 17576681, 9536098). Algorithms developed to predict the effect of sequence changes on RNA splicing suggest that this variant may disrupt the consensus splice site. In summary, the available evidence is currently insufficient to determine the role of this variant in disease. Therefore, it has been classified as a Variant of Uncertain Significance.

GeneDx
Classification: Likely pathogenic. Last evaluated: 2025-09-04. Review status: criteria provided, single submitter. Criteria: GeneDx Variant Classification Process June 2021. Collection method: clinical testing. Allele origin: germline. Affected: yes.
Comment: Has not been previously published as pathogenic or benign to our knowledge; Not observed at significant frequency in large population cohorts (gnomAD); Intronic variant directly or indirectly altering the +5 splice site in a gene for which loss of function is a known mechanism of disease, and splice predictors support a deleterious effect; This variant is associated with the following publications: (PMID: 31386562)

All of Us Research Program, National Institutes of Health
Classification: Uncertain significance for Arrhythmogenic right ventricular cardiomyopathy. Last evaluated: 2023-06-08. Review status: criteria provided, single submitter. Criteria: ACMG Guidelines, 2015. Collection method: clinical testing. Allele origin: germline. Inheritance: Autosomal dominant inheritance. Observed: 1 variant allele, 1 heterozygote.
Comment: This variant causes a deletion of 4 nucleotides in intron 4 of the PKP2 gene. Splice site prediction tools predict that this variant may have a significant impact on RNA splicing. To our knowledge, RNA studies have not been reported for this variant. This variant has been reported in an individual affected with arrhythmogenic right ventricular cardiomyopathy (PMID: 31386562). This variant has been identified in 1/31408 chromosomes in the general population by the Genome Aggregation Database (gnomAD). Other variants that are predicted to impact the same intron 4 splice donor site have also been reported in individuals affected with arrhythmogenic right ventricular cardiomyopathy (MID: 20400443, 26887364, 25611685, 32372669, ClinVar SCV003350423.1, SCV000061816.6). The available evidence is insufficient to determine the role of this variant in disease conclusively. Therefore, this variant is classified as a Variant of Uncertain Significance.

This study involves interpretation of variants in research participants for the purpose of population health screening. Participant phenotype was not available at the time of variant classification. Additional details can be found in publication PMID: 35346344, PMCID: PMC8962531

Ambry Genetics
Classification: Uncertain significance for Cardiovascular phenotype. Last evaluated: 2016-05-24. Review status: criteria provided, single submitter. Criteria: Ambry Variant Classification Scheme 2023. Collection method: clinical testing. Allele origin: germline.
Comment: The c.1170+4_1170+7delAGTG alteration is located in Intron 4 (E) of the PKP2 gene. This alteration consists of a deletion of 4 nucleotides at nucleotide position c.11704 Intron 4 (E). Based on insufficient or conflicting evidence, the clinical significance of this alteration remains unclear.

Laboratory for Molecular Medicine, Mass General Brigham Personalized Medicine
Classification: Uncertain significance. Last evaluated: 2009-05-27. Review status: no assertion criteria provided. Collection method: clinical testing. Allele origin: germline. Observed: 1 variant allele. Not counted in ClinVar's aggregate classification.

Literature cited by the submitters: PubMed 31386562 (cited by Labcorp Genetics (formerly Invitae), Labcorp and All of Us Research Program, National Institutes of Health); PubMed 17576681 (cited by Labcorp Genetics (formerly Invitae), Labcorp); PubMed 9536098 (cited by Labcorp Genetics (formerly Invitae), Labcorp).